The following is an entry in ClinVar:

ClinVar aggregate classification (germline): Benign/Likely benign. Review status: criteria provided, multiple submitters, no conflicts (2 of 4 stars). 5 submissions from 5 submitters: Benign (1); Likely benign (4). Last evaluated 2024-10-01.

Conditions:
Hereditary cancer-predisposing syndrome. Also called: Neoplastic Syndromes, Hereditary; Tumor predisposition; Hereditary Cancer Syndrome; Hereditary neoplastic syndrome. Identifiers: Orphanet 140162, MedGen C0027672, MeSH D009386, MONDO:0015356.
Familial cancer of breast. Also called: BREAST CANCER, FAMILIAL; Hereditary breast cancer; hereditary breast carcinoma. Identifiers: Orphanet 227535, MedGen C0346153, MONDO:0016419, OMIM 114480. Disease mechanism: loss of function.

Allele frequency attached by ClinVar (database versions not stated): TOPMed below 0.00001; gnomAD 0.00001.
gnomAD v4.1: 1 of 1,613,576 alleles (0.000062%); highest among the groups gnomAD compares: Admixed American, 0.0017%; no homozygotes.

Submissions (5):

Myriad Genetics, Inc.
Classification: Benign for Familial cancer of breast. Last evaluated: 2024-10-01. Review status: criteria provided, single submitter. Criteria: Myriad Autosomal Dominant, Autosomal Recessive and X-Linked Classification Criteria (2023). Collection method: clinical testing. Allele origin: unknown.
Comment: This variant is considered benign. This variant is a silent/synonymous amino acid change and it is not expected to impact splicing.

Labcorp Genetics (formerly Invitae), Labcorp
Classification: Likely benign for Familial cancer of breast. Last evaluated: 2024-09-16. Review status: criteria provided, single submitter. Criteria: Invitae Variant Classification Sherloc (09022015). Collection method: clinical testing. Allele origin: germline.

GeneDx
Classification: Likely benign. Last evaluated: 2017-04-18. Review status: criteria provided, single submitter. Criteria: GeneDx Variant Classification (06012015). Collection method: clinical testing. Allele origin: germline. Affected: yes.
Comment: This variant is considered likely benign or benign based on one or more of the following criteria: it is a conservative change, it occurs at a poorly conserved position in the protein, it is predicted to be benign by multiple in silico algorithms, and/or has population frequency not consistent with disease.

Color Diagnostics, LLC DBA Color Health
Classification: Likely benign for Hereditary cancer-predisposing syndrome. Last evaluated: 2017-03-16. Review status: criteria provided, single submitter. Criteria: ACMG Guidelines, 2015. Collection method: clinical testing. Allele origin: germline.

Ambry Genetics
Classification: Likely benign for Hereditary cancer-predisposing syndrome. Last evaluated: 2016-01-22. Review status: criteria provided, single submitter. Criteria: Ambry Variant Classification Scheme 2023. Collection method: clinical testing. Allele origin: germline.

NM_007194.4(CHEK2):c.255T>C (p.Pro85=)

Gene: CHEK2 (checkpoint kinase 2; minus strand). Cytogenetic location: 22q12.1.
Variant type: single nucleotide variant.
Coding change: c.255T>C on transcript NM_007194.4 (MANE Select); coding-DNA position 255, T replaced by C.
Protein change: p.Pro85=; no amino-acid change (proline 85 retained).
Molecular consequence: synonymous variant.
Genome position (GRCh38, 1-based): chr22:28,734,467, A>G on the plus strand (T>C on the coding strand, the complement: CHEK2 is on the minus strand). VCF-style: chr22-28734467-A-G. GRCh37 (hg19) VCF-style: chr22-29130455-A-G.
Other names: c.255T>C, p.Pro85= (NM_001005735.3, NM_001349956.3, NM_145862.3); c.-523T>C (NM_001257387.3).
Identifiers: ClinVar variation 483359 (VCV000483359.19), dbSNP rs1418971926, ClinGen allele CA513946453.